The following is an entry in ClinVar:

ClinVar aggregate classification (germline): Conflicting classifications of pathogenicity. Review status: criteria provided, conflicting classifications (1 of 4 stars). 2 submissions from 2 submitters: Uncertain significance (1); Likely benign (1). Last evaluated 2025-09-16.

Conditions:
Occult macular dystrophy (OCMD). Also called: OMD; OCCULT MACULAR DYSTROPHY, SUSCEPTIBILITY TO. Identifiers: Orphanet 247834, MedGen C3150833, MONDO:0013316, OMIM 613587, HP:0030636.
RP1L1-related disorder. Also called: RP1L1-related condition.

Allele frequency attached by ClinVar (database versions not stated): gnomAD 0.00006; TOPMed 0.00008; 1000 Genomes Project 30x 0.00016; ESP Exome Variant Server 0.00017; 1000 Genomes Project 0.00020.

Submissions (2):

PreventionGenetics, part of Exact Sciences
Classification: Uncertain significance for RP1L1-related condition. Last evaluated: 2025-09-16. Review status: criteria provided, single submitter. Criteria: ACMG Guidelines, 2015. Collection method: clinical testing. Allele origin: germline.
Comment: The RP1L1 c.7097C>T variant is predicted to result in the amino acid substitution p.Ala2366Val. To our knowledge, this variant has not been reported in the literature. This variant is reported in 0.033% of alleles in individuals of African descent in gnomAD. At this time, the clinical significance of this variant is uncertain due to the absence of conclusive functional and genetic evidence.

Illumina Laboratory Services, Illumina
Classification: Likely benign for Occult macular dystrophy. Last evaluated: 2018-01-13. Review status: criteria provided, single submitter. Criteria: ICSL Variant Classification Criteria 13 December 2019. Collection method: clinical testing. Allele origin: germline.
Comment: This variant was observed in the ICSL laboratory as part of a predisposition screen in an ostensibly healthy population. It had not been previously curated by ICSL or reported in the Human Gene Mutation Database (HGMD: prior to June 1st, 2018), and was therefore a candidate for classification through an automated scoring system. Utilizing variant allele frequency, disease prevalence and penetrance estimates, and inheritance mode, an automated score was calculated to assess if this variant is too frequent to cause the disease. Based on the score and internal cut-off values, a variant classified as likely benign is not then subjected to further curation. The score for this variant resulted in a classification of likely benign for this disease.

NM_178857.6(RP1L1):c.7097C>T (p.Ala2366Val)

Gene: RP1L1 (RP1 like 1). Cytogenetic location: 8p23.1.
Variant type: single nucleotide variant.
Coding change: c.7097C>T on transcript NM_178857.6 (MANE Select); coding-DNA position 7097, C replaced by T.
Protein change: p.Ala2366Val; replaces alanine 2366 with valine.
Molecular consequence: missense variant.
Genome position (GRCh38, 1-based): chr8:10,607,001, G>A on the plus strand (C>T on the coding strand, the complement: RP1L1 is on the minus strand). VCF-style: chr8-10607001-G-A. GRCh37 (hg19) VCF-style: chr8-10464511-G-A.
Other names: short protein forms A2366V.
Identifiers: ClinVar variation 910033 (VCV000910033.5), dbSNP rs200330477, ClinGen allele CA4623078.
Genomic context (GRCh38, chr8:10,607,001, plus strand): 5'-GCCTCAGTGGGGGCGAGACTTCCGAGTGCCTGGTCCTCTTGTAGGTCATAACCTTCACTG[G>A]CCCCCTGCTCTGGAGTCCTTGAGCCCAAAGGGGCCTCTTCTTGCTCAGAAGTAGAACTTT-3'
Protein context (NP_849188.4, residues 2356-2376): PLGSRTPEQG[Ala2366Val]SEGYDLQEDQ